The following is an entry in ClinVar:

ClinVar aggregate classification (germline): Likely pathogenic (1 of 4 stars; one submission).

Conditions:
Amyotrophic lateral sclerosis type 1 (ALS1). Also called: AMYOTROPHIC LATERAL SCLEROSIS 1, FAMILIAL. Identifiers: Orphanet 803, MedGen C1862939, MONDO:0007103, OMIM 105400.

Submission:

Labcorp Genetics (formerly Invitae), Labcorp
Classification: Likely pathogenic for Amyotrophic lateral sclerosis type 1. Last evaluated: 2025-08-21. Review status: criteria provided, single submitter. Criteria: Invitae Variant Classification Sherloc (09022015). Collection method: clinical testing. Allele origin: germline.
Comment: This sequence change replaces glutamic acid, which is acidic and polar, with valine, which is neutral and non-polar, at codon 134 of the SOD1 protein (p.Glu134Val). This variant is not present in population databases (gnomAD no frequency). This missense change has been observed in individual(s) with autosomal dominant amyotrophic lateral sclerosis (PMID: 29540513, 35193472). This variant is also known as E133V. ClinVar contains an entry for this variant (Variation ID: 2138381). Invitae Evidence Modeling of protein sequence and biophysical properties (such as structural, functional, and spatial information, amino acid conservation, physicochemical variation, residue mobility, and thermodynamic stability) indicates that this missense variant is expected to disrupt SOD1 protein function with a positive predictive value of 95%. Experimental studies have shown that this missense change affects SOD1 function (PMID: 23280792). Algorithms developed to predict the effect of sequence changes on RNA splicing suggest that this variant may create or strengthen a splice site. This variant disrupts the p.Glu134 amino acid residue in SOD1. Other variant(s) that disrupt this residue have been determined to be pathogenic (PMID: 25509359; internal data). This suggests that this residue is clinically significant, and that variants that disrupt this residue are likely to be disease-causing. In summary, the currently available evidence indicates that the variant is pathogenic, but additional data are needed to prove that conclusively. Therefore, this variant has been classified as Likely Pathogenic.

Literature cited by the submitters: PubMed 29540513; PubMed 35193472; PubMed 23280792; PubMed 25509359.

NM_000454.5(SOD1):c.401A>T (p.Glu134Val)

Gene: SOD1 (superoxide dismutase 1; plus strand). Cytogenetic location: 21q22.11.
Variant type: single nucleotide variant.
Coding change: c.401A>T on transcript NM_000454.5 (MANE Select); coding-DNA position 401, A replaced by T.
Protein change: p.Glu134Val; replaces glutamic acid 134 with valine.
Molecular consequence: missense variant.
Genome position (GRCh38, 1-based): chr21:31,668,514, A>T. VCF-style: chr21-31668514-A-T. GRCh37 (hg19) VCF-style: chr21-33040827-A-T.
Other names: short protein forms E134V.
Identifiers: ClinVar variation 2138381 (VCV002138381.4), dbSNP rs1568811426, ClinGen allele CA410037725.
Genomic context (GRCh38, chr21:31,668,514, plus strand): 5'-CTTAAAATTTTTTACAGGTCCATGAAAAAGCAGATGACTTGGGCAAAGGTGGAAATGAAG[A>T]AAGTACAAAGACAGGAAACGCTGGAAGTCGTTTGGCTTGTGGTGTAATTGGGATCGCCCA-3'
Protein context (NP_000445.1, residues 124-144): ADDLGKGGNE[Glu134Val]STKTGNAGSR